The following is an entry in ClinVar:

ClinVar aggregate classification (germline): Pathogenic (1 of 4 stars; one submission).

Conditions:
Retinoblastoma (RB1). Also called: RETINOBLASTOMA, SOMATIC. Identifiers: Orphanet 790, MedGen C0035335, MeSH D012175, MONDO:0008380, OMIM 180200, HP:0009919. Disease mechanism: loss of function. Inheritance: Both sporadic and heritable forms are tested..

Submission:

Labcorp Genetics (formerly Invitae), Labcorp
Classification: Pathogenic for Retinoblastoma. Last evaluated: 2021-03-02. Review status: criteria provided, single submitter. Criteria: Invitae Variant Classification Sherloc (09022015). Collection method: clinical testing. Allele origin: germline.
Comment: This sequence change creates a premature translational stop signal (p.Glu40*) in the RB1 gene. It is expected to result in an absent or disrupted protein product. Loss-of-function variants in RB1 are known to be pathogenic (PMID: 17096365). The frequency data for this variant in the population databases is considered unreliable, as metrics indicate insufficient coverage at this position in the ExAC database. This variant has been reported in individuals in the Leiden Open-source Variation Database (PMID: 21520333). Algorithms developed to predict the effect of sequence changes on RNA splicing suggest that this variant may create or strengthen a splice site, but this prediction has not been confirmed by published transcriptional studies. For these reasons, this variant has been classified as Pathogenic.

Literature cited by the submitters: PubMed 17096365; PubMed 21520333.

NM_000321.3(RB1):c.118G>T (p.Glu40Ter)

Gene: RB1 (RB transcriptional corepressor 1; plus strand). Cytogenetic location: 13q14.2.
Variant type: single nucleotide variant.
Coding change: c.118G>T on transcript NM_000321.3 (MANE Select); coding-DNA position 118, G replaced by T.
Protein change: p.Glu40Ter; replaces glutamic acid 40 with a stop codon.
Molecular consequence: nonsense.
Genome position (GRCh38, 1-based): chr13:48,304,030, G>T. VCF-style: chr13-48304030-G-T. GRCh37 (hg19) VCF-style: chr13-48878166-G-T.
Other names: short protein forms E40*.
Identifiers: ClinVar variation 1454297 (VCV001454297.8), dbSNP rs1593412262, ClinGen allele CA388250366.